The following is an entry in ClinVar:

ClinVar aggregate classification (germline): Uncertain significance (1 of 4 stars; one submission).

Allele frequency attached by ClinVar (database versions not stated): ExAC 0.00001; TOPMed 0.00001.
gnomAD v4.1: 12 of 1,613,730 alleles (0.00074%); highest among the groups gnomAD compares: South Asian, 0.0033%; no homozygotes.

Submission:

Labcorp Genetics (formerly Invitae), Labcorp
Classification: Uncertain significance. Last evaluated: 2023-12-11. Review status: criteria provided, single submitter. Criteria: Invitae Variant Classification Sherloc (09022015). Collection method: clinical testing. Allele origin: germline.
Comment: This sequence change affects codon 202 of the ZNF513 mRNA. It is a 'silent' change, meaning that it does not change the encoded amino acid sequence of the ZNF513 protein. This variant is present in population databases (rs748320517, gnomAD 0.005%). This variant has not been reported in the literature in individuals affected with ZNF513-related conditions. ClinVar contains an entry for this variant (Variation ID: 2201664). Algorithms developed to predict the effect of sequence changes on RNA splicing suggest that this variant may create or strengthen a splice site. In summary, the available evidence is currently insufficient to determine the role of this variant in disease. Therefore, it has been classified as a Variant of Uncertain Significance.

NM_144631.6(ZNF513):c.606C>T (p.Gly202=)

Gene: ZNF513 (zinc finger protein 513; minus strand). Cytogenetic location: 2p23.3.
Variant type: single nucleotide variant.
Coding change: c.606C>T on transcript NM_144631.6 (MANE Select); coding-DNA position 606, C replaced by T.
Protein change: p.Gly202=; no amino-acid change (glycine 202 retained).
Molecular consequence: synonymous variant.
Genome position (GRCh38, 1-based): chr2:27,378,660, G>A on the plus strand (C>T on the coding strand, the complement: ZNF513 is on the minus strand). VCF-style: chr2-27378660-G-A. GRCh37 (hg19) VCF-style: chr2-27601527-G-A.
Other names: c.420C>T, p.Gly140= (NM_001201459.2).
Identifiers: ClinVar variation 2201664 (VCV002201664.4), dbSNP rs748320517, ClinGen allele CA1578019.